The following is an entry in ClinVar:

NM_000088.4(COL1A1):c.1588G>T (p.Gly530Cys)

Gene: COL1A1 (collagen type I alpha 1 chain; minus strand). Cytogenetic location: 17q21.33.
Variant type: single nucleotide variant.
Coding change: c.1588G>T on transcript NM_000088.4 (MANE Select); coding-DNA position 1588, G replaced by T.
Protein change: p.Gly530Cys; replaces glycine 530 with cysteine.
Molecular consequence: missense variant.
Genome position (GRCh38, 1-based): chr17:50,194,375, C>A on the plus strand (G>T on the coding strand, the complement: COL1A1 is on the minus strand). VCF-style: chr17-50194375-C-A. GRCh37 (hg19) VCF-style: chr17-48271736-C-A.
Other names: short protein forms G530C.
Identifiers: ClinVar variation 1420638 (VCV001420638.6), dbSNP rs67682641, ClinGen allele CA291545243.

ClinVar aggregate classification (germline): Pathogenic (1 of 4 stars; one submission).

Conditions:
Osteogenesis imperfecta type I (OI1). Also called: Lobstein's Disease; Osteogenesis imperfecta type 1; Lobstein disease; Classic Non-deforming Osteogenesis Imperfecta with Blue Sclerae; OI, TYPE I; OSTEOGENESIS IMPERFECTA TARDA. Identifiers: Orphanet 216796, Orphanet 666, MedGen C0023931, MONDO:0008146, OMIM 166200. Disease mechanism: loss of function.

Submission:

Labcorp Genetics (formerly Invitae), Labcorp
Classification: Pathogenic for Osteogenesis imperfecta type I. Last evaluated: 2022-11-16. Review status: criteria provided, single submitter. Criteria: Invitae Variant Classification Sherloc (09022015). Collection method: clinical testing. Allele origin: germline.
Comment: This variant disrupts the p.Gly530 amino acid residue in COL1A1. Other variant(s) that disrupt this residue have been observed in individuals with COL1A1-related conditions (PMID: 1445258, 8094076, 22589248), which suggests that this may be a clinically significant amino acid residue. For these reasons, this variant has been classified as Pathogenic. This variant disrupts the triple helix domain of COL1A1. Glycine residues within the Gly-Xaa-Yaa repeats of the triple helix domain are required for the structure and stability of fibrillar collagens (PMID: 7695699, 8218237, 19344236). In COL1A1, variants affecting these glycine residues are significantly enriched in individuals with disease (PMID: 9016532, 17078022) compared to the general population (ExAC). Advanced modeling of protein sequence and biophysical properties (such as structural, functional, and spatial information, amino acid conservation, physicochemical variation, residue mobility, and thermodynamic stability) performed at Invitae indicates that this missense variant is expected to disrupt COL1A1 protein function. ClinVar contains an entry for this variant (Variation ID: 1420638). This missense change has been observed in individual(s) with osteogenesis imperfecta (PMID: 17078022). This variant is not present in population databases (gnomAD no frequency). This sequence change replaces glycine, which is neutral and non-polar, with cysteine, which is neutral and slightly polar, at codon 530 of the COL1A1 protein (p.Gly530Cys).

Literature cited by the submitters: PubMed 1445258; PubMed 8094076; PubMed 22589248; PubMed 7695699; PubMed 8218237; PubMed 19344236; PubMed 9016532; PubMed 17078022.